The following is an entry in ClinVar:

NM_030632.3(ASXL3):c.4591G>A (p.Glu1531Lys)

Gene: ASXL3 (ASXL transcriptional regulator 3; plus strand). Cytogenetic location: 18q12.1.
Variant type: single nucleotide variant.
Coding change: c.4591G>A on transcript NM_030632.3 (MANE Select); coding-DNA position 4591, G replaced by A.
Protein change: p.Glu1531Lys; replaces glutamic acid 1531 with lysine.
Molecular consequence: missense variant.
Genome position (GRCh38, 1-based): chr18:33,744,439, G>A. VCF-style: chr18-33744439-G-A. GRCh37 (hg19) VCF-style: chr18-31324403-G-A.
Other names: short protein forms E1531K.
Identifiers: ClinVar variation 2497824 (VCV002497824.1), dbSNP rs866215181, ClinGen allele CA297793685.

ClinVar aggregate classification (germline): Uncertain significance (1 of 4 stars; one submission).

Allele frequency attached by ClinVar (database versions not stated): gnomAD exomes below 0.00001; gnomAD 0.00001; TOPMed 0.00001.
gnomAD v4.1: 4 of 1,613,552 alleles (0.00025%); highest among the groups gnomAD compares: South Asian, 0.0011%; no homozygotes.

Submission:

GeneDx
Classification: Uncertain significance. Last evaluated: 2022-10-13. Review status: criteria provided, single submitter. Criteria: GeneDx Variant Classification Process June 2021. Collection method: clinical testing. Allele origin: germline. Affected: yes.
Comment: Not observed at significant frequency in large population cohorts (gnomAD); In silico analysis supports that this missense variant does not alter protein structure/function; Has not been previously published as pathogenic or benign to our knowledge